The following is an entry in ClinVar:

NM_144599.5(NIPA1):c.166G>A (p.Ala56Thr)

Genes: NIPA1 (NIPA magnesium transporter 1; plus strand), LOC130056709 (ATAC-STARR-seq lymphoblastoid silent region 6259; plus strand). Cytogenetic location: 15q11.2.
Variant type: single nucleotide variant.
Coding change: c.166G>A on transcript NM_144599.5 (MANE Select); coding-DNA position 166, G replaced by A.
Protein change: p.Ala56Thr; replaces alanine 56 with threonine.
Molecular consequence: missense variant. On other transcripts: intron variant (1).
Genome position (GRCh38, 1-based): chr15:22,786,822, G>A. VCF-style: chr15-22786822-G-A. GRCh37 (hg19) VCF-style: chr15-23086246-C-T.
Other names: c.-48+574G>A (NM_001142275.1); short protein forms A56T.
Identifiers: ClinVar variation 2744438 (VCV002744438.3), dbSNP rs2504912118, ClinGen allele CA391299002.
Genomic context (GRCh38, chr15:22,786,822, plus strand): 5'-GTCGTGTCGAGCCTGGTGAACGGGTCCACGTTCGTGCTACAGAAGAAGGGCATCGTGCGT[G>A]CCAAGCGGCGAGGTAGGGCGGGCGGCAGGCGGCAGGCGGCGGGCGGGTGGGGGAGGCGGG-3'
Protein context (NP_653200.2, residues 46-66): FVLQKKGIVR[Ala56Thr]KRRGTSYLTD

ClinVar aggregate classification (germline): Uncertain significance (1 of 4 stars; one submission).

Conditions:
Hereditary spastic paraplegia 6 (SPG6). Also called: SPASTIC PARAPLEGIA 6, AUTOSOMAL DOMINANT. Identifiers: Orphanet 100988, MedGen C1838192, MONDO:0010878, OMIM 600363.

Allele frequency attached by ClinVar (database versions not stated): gnomAD exomes below 0.00001.
gnomAD v4.1: 5 of 1,215,600 alleles (0.00041%); highest among the groups gnomAD compares: Non-Finnish European, 0.00042%; no homozygotes.

Submission:

Labcorp Genetics (formerly Invitae), Labcorp
Classification: Uncertain significance for Hereditary spastic paraplegia 6. Last evaluated: 2023-10-28. Review status: criteria provided, single submitter. Criteria: Invitae Variant Classification Sherloc (09022015). Collection method: clinical testing. Allele origin: germline.
Comment: This sequence change replaces alanine, which is neutral and non-polar, with threonine, which is neutral and polar, at codon 56 of the NIPA1 protein (p.Ala56Thr). This variant is not present in population databases (gnomAD no frequency). This variant has not been reported in the literature in individuals affected with NIPA1-related conditions. An algorithm developed to predict the effect of missense changes on protein structure and function (PolyPhen-2) suggests that this variant is likely to be disruptive. In summary, the available evidence is currently insufficient to determine the role of this variant in disease. Therefore, it has been classified as a Variant of Uncertain Significance.